The following is an entry in ClinVar:

ClinVar aggregate classification (germline): Uncertain significance. Review status: criteria provided, multiple submitters, no conflicts (2 of 4 stars). 2 submissions from 2 submitters: Uncertain significance (2). Last evaluated 2025-01-08.

Conditions:
DNA ligase IV deficiency. Identifiers: Orphanet 99812, MedGen C1847827, MONDO:0011686, OMIM 606593.
Multiple myeloma (MM). Also called: Plasma cell myeloma; Multiple myeloma, somatic. Identifiers: Orphanet 29073, Orphanet 85443, MedGen C0026764, MeSH D009101, MONDO:0009693, OMIM 254500, HP:0006775.

Submissions (2):

Labcorp Genetics (formerly Invitae), Labcorp
Classification: Uncertain significance for DNA ligase IV deficiency. Last evaluated: 2025-01-08. Review status: criteria provided, single submitter. Criteria: Invitae Variant Classification Sherloc (09022015). Collection method: clinical testing. Allele origin: germline.
Comment: This sequence change replaces methionine, which is neutral and non-polar, with valine, which is neutral and non-polar, at codon 569 of the LIG4 protein (p.Met569Val). Information on the frequency of this variant in the gnomAD database is not available, as this variant may be reported differently in the database. This variant has not been reported in the literature in individuals affected with LIG4-related conditions. ClinVar contains an entry for this variant (Variation ID: 1040677). Experimental studies and prediction algorithms are not available or were not evaluated, and the functional significance of this variant is currently unknown. In summary, the available evidence is currently insufficient to determine the role of this variant in disease. Therefore, it has been classified as a Variant of Uncertain Significance.

Fulgent Genetics
Classification: Uncertain significance for Multiple myeloma; DNA ligase IV deficiency. Last evaluated: 2021-12-01. Review status: criteria provided, single submitter. Criteria: ACMG Guidelines, 2015. Collection method: clinical testing. Allele origin: unknown.

NM_206937.2(LIG4):c.1704_1705delinsCG (p.Met569Val)

Gene: LIG4 (DNA ligase 4; minus strand). Cytogenetic location: 13q33.3.
Variant type: Indel.
Coding change: c.1704_1705delinsCG on transcript NM_206937.2 (MANE Select); coding-DNA positions 1704 to 1705, TA replaced by CG.
Protein change: p.Met569Val; replaces methionine 569 with valine.
Molecular consequence: missense variant.
Genome position (GRCh38, 1-based): chr13:108,209,564-108,209,565, TA replaced by CG on the plus strand (TA replaced by CG on the coding strand, the reverse complement: LIG4 is on the minus strand). VCF-style: chr13-108209564-TA-CG. GRCh37 (hg19) VCF-style: chr13-108861912-TA-CG.
Other names: c.1704_1705delinsCG, p.Met569Val (NM_001098268.2, NM_001352598.2, NM_001352599.2 and 6 more transcripts); c.1503_1504delinsCG, p.Met502Val (NM_001330595.2); c.1740_1741delinsCG, p.Met581Val (NM_001352604.2); short protein forms M569V, M502V, M581V.
Identifiers: ClinVar variation 1040677 (VCV001040677.6), dbSNP rs1878367870, ClinGen allele CA2117794253.
Genomic context (GRCh38, chr13:108,209,564, plus strand): 5'-CCTTGTCATCTCTTATCTTTTCAATTCGTGGAAAACGCAAGGTGCAGCCAGTTTTATACA[TA>CG]TCACTGGGTACGATCTCTGCTGCTTTAATCTGAACAATGACAGAATTACAAGGTTCAATG-3'
Protein context (NP_996820.1, residues 559-579): IKAAEIVPSD[Met569Val]YKTGCTLRFP